The following is an entry in ClinVar:

ClinVar aggregate classification (germline): Likely benign. Review status: criteria provided, multiple submitters, no conflicts (2 of 4 stars). 2 submissions from 2 submitters: Likely benign (2). Last evaluated 2025-11-27.

Allele frequency attached by ClinVar (database versions not stated): gnomAD exomes 0.00006 and 0.00010; ExAC 0.00008; gnomAD 0.00015 and 0.00016; TOPMed 0.00015; 1000 Genomes Project 30x 0.00016; 1000 Genomes Project 0.00020; ESP Exome Variant Server 0.00023.
gnomAD v4.1: 113 of 1,613,862 alleles (0.007%); highest among the groups gnomAD compares: African/African-American, 0.036%; no homozygotes.

Submissions (2):

Labcorp Genetics (formerly Invitae), Labcorp
Classification: Likely benign. Last evaluated: 2025-11-27. Review status: criteria provided, single submitter. Criteria: Invitae Variant Classification Sherloc (09022015). Collection method: clinical testing. Allele origin: germline.

CeGaT Center for Human Genetics Tuebingen
Classification: Likely benign. Last evaluated: 2024-07-01. Review status: criteria provided, single submitter. Criteria: CeGaT Center For Human Genetics Tuebingen Variant Classification Criteria Version 2. Collection method: clinical testing. Allele origin: germline. Affected: yes. Observed: 1 variant allele.
Comment: ANK1: BP4, BP7

NM_000037.4(ANK1):c.3594C>T (p.Asn1198=)

Gene: ANK1 (ankyrin 1; minus strand). Cytogenetic location: 8p11.21.
Variant type: single nucleotide variant.
Coding change: c.3594C>T on transcript NM_000037.4 (MANE Select); coding-DNA position 3594, C replaced by T.
Protein change: p.Asn1198=; no amino-acid change (asparagine 1198 retained).
Molecular consequence: synonymous variant.
Genome position (GRCh38, 1-based): chr8:41,693,140, G>A on the plus strand (C>T on the coding strand, the complement: ANK1 is on the minus strand). VCF-style: chr8-41693140-G-A. GRCh37 (hg19) VCF-style: chr8-41550658-G-A.
Other names: c.3717C>T, p.Asn1239= (NM_001142446.2); c.3594C>T, p.Asn1198= (NM_020475.3, NM_020476.3, NM_020477.3).
Identifiers: ClinVar variation 737920 (VCV000737920.25), dbSNP rs186020985, ClinGen allele CA4727831.